The following is an entry in ClinVar:

NM_001370658.1(BTD):c.14G>T (p.Arg5Ile)

Gene: BTD (biotinidase; plus strand). Cytogenetic location: 3p25.1.
Variant type: single nucleotide variant.
Coding change: c.14G>T on transcript NM_001370658.1 (MANE Select); coding-DNA position 14, G replaced by T.
Protein change: p.Arg5Ile; replaces arginine 5 with isoleucine.
Molecular consequence: missense variant.
Genome position (GRCh38, 1-based): chr3:15,635,453, G>T. VCF-style: chr3-15635453-G-T. GRCh37 (hg19) VCF-style: chr3-15676960-G-T.
Other names: c.14G>T, p.Arg5Ile (NM_001407365.1, NM_001407366.1, NM_001407367.1 and 37 more transcripts); c.74G>T, p.Arg25Ile (NM_000060.4); short protein forms R5I, R25I.
Identifiers: ClinVar variation 2854785 (VCV002854785.3), dbSNP rs2471438647, ClinGen allele CA351602750.

ClinVar aggregate classification (germline): Uncertain significance (1 of 4 stars; one submission).

Conditions:
Biotinidase deficiency. Also called: Biotin deficiency; BTD deficiency; Late-onset biotin-responsive multiple carboxylase deficiency. Identifiers: Orphanet 79241, MedGen C0220754, MONDO:0009665, OMIM 253260.

Allele frequency attached by ClinVar (database versions not stated): gnomAD exomes below 0.00001.
gnomAD v4.1: 1 of 1,614,232 alleles (0.000062%); highest among the groups gnomAD compares: Non-Finnish European, 0.000085%; no homozygotes.

Submission:

Labcorp Genetics (formerly Invitae), Labcorp
Classification: Uncertain significance for Biotinidase deficiency. Last evaluated: 2024-10-24. Review status: criteria provided, single submitter. Criteria: Invitae Variant Classification Sherloc (09022015). Collection method: clinical testing. Allele origin: germline.
Comment: This sequence change replaces arginine, which is basic and polar, with isoleucine, which is neutral and non-polar, at codon 25 of the BTD protein (p.Arg25Ile). This variant is not present in population databases (gnomAD no frequency). This variant has not been reported in the literature in individuals affected with BTD-related conditions. Invitae Evidence Modeling of protein sequence and biophysical properties (such as structural, functional, and spatial information, amino acid conservation, physicochemical variation, residue mobility, and thermodynamic stability) has been performed for this missense variant. However, the output from this modeling did not meet the statistical confidence thresholds required to predict the impact of this variant on BTD protein function. In summary, the available evidence is currently insufficient to determine the role of this variant in disease. Therefore, it has been classified as a Variant of Uncertain Significance.